The following is an entry in ClinVar:

NM_000127.3(EXT1):c.1265T>C (p.Ile422Thr)

Gene: EXT1 (exostosin glycosyltransferase 1; minus strand). Cytogenetic location: 8q24.11.
Variant type: single nucleotide variant.
Coding change: c.1265T>C on transcript NM_000127.3 (MANE Select); coding-DNA position 1265, T replaced by C.
Protein change: p.Ile422Thr; replaces isoleucine 422 with threonine.
Molecular consequence: missense variant.
Genome position (GRCh38, 1-based): chr8:117,830,249, A>G on the plus strand (T>C on the coding strand, the complement: EXT1 is on the minus strand). VCF-style: chr8-117830249-A-G. GRCh37 (hg19) VCF-style: chr8-118842488-A-G.
Other names: short protein forms I422T.
Identifiers: ClinVar variation 3716849 (VCV003716849.2).

ClinVar aggregate classification (germline): Uncertain significance (1 of 4 stars; one submission).

Conditions:
Multiple congenital exostosis (EXT). Also called: MULTIPLE CARTILAGINOUS EXOSTOSES; Multiple exostoses; Hereditary multiple osteochondromas; Hereditary multiple exostoses; Hereditary multiple exostosis; Multiple osteochondromas. Identifiers: Orphanet 321, MedGen C0015306, MONDO:0005508, HP:0002762.

gnomAD v4.1: 5 of 1,614,066 alleles (0.00031%); highest among the groups gnomAD compares: East Asian, 0.0022%; no homozygotes.

Submission:

Labcorp Genetics (formerly Invitae), Labcorp
Classification: Uncertain significance for Multiple congenital exostosis. Last evaluated: 2024-08-03. Review status: criteria provided, single submitter. Criteria: Invitae Variant Classification Sherloc (09022015). Collection method: clinical testing. Allele origin: germline.
Comment: This sequence change replaces isoleucine, which is neutral and non-polar, with threonine, which is neutral and polar, at codon 422 of the EXT1 protein (p.Ile422Thr). This variant is present in population databases (no rsID available, gnomAD 0.0009%). This variant has not been reported in the literature in individuals affected with EXT1-related conditions. Advanced modeling of protein sequence and biophysical properties (such as structural, functional, and spatial information, amino acid conservation, physicochemical variation, residue mobility, and thermodynamic stability) performed at Invitae indicates that this missense variant is expected to disrupt EXT1 protein function with a positive predictive value of 80%. In summary, the available evidence is currently insufficient to determine the role of this variant in disease. Therefore, it has been classified as a Variant of Uncertain Significance.